The following is an entry in ClinVar:

NM_001384317.1(ZHX3):c.767C>T (p.Pro256Leu)

Gene: ZHX3 (zinc fingers and homeoboxes 3; minus strand). Cytogenetic location: 20q12.
Variant type: single nucleotide variant.
Coding change: c.767C>T on transcript NM_001384317.1 (MANE Select); coding-DNA position 767, C replaced by T.
Protein change: p.Pro256Leu; replaces proline 256 with leucine.
Molecular consequence: missense variant.
Genome position (GRCh38, 1-based): chr20:41,204,150, G>A on the plus strand (C>T on the coding strand, the complement: ZHX3 is on the minus strand). VCF-style: chr20-41204150-G-A. GRCh37 (hg19) VCF-style: chr20-39832790-G-A.
Other names: c.767C>T, p.Pro256Leu (NM_001384315.1, NM_001384316.1, NM_001384318.1 and 8 more transcripts); c.767C>T (NM_015035.3); short protein forms P256L.
Identifiers: ClinVar variation 1987354 (VCV001987354.5), dbSNP rs765465508, ClinGen allele CA9860059.

ClinVar aggregate classification (germline): Uncertain significance. Review status: criteria provided, multiple submitters, no conflicts (2 of 4 stars). 2 submissions from 2 submitters: Uncertain significance (2). Last evaluated 2024-03-26.

Allele frequency attached by ClinVar (database versions not stated): gnomAD exomes 0.00001; ExAC 0.00003.
gnomAD v4.1: 9 of 1,607,230 alleles (0.00056%); highest among the groups gnomAD compares: East Asian, 0.016%; no homozygotes.

Submissions (2):

Ambry Genetics
Classification: Uncertain significance. Last evaluated: 2024-03-26. Review status: criteria provided, single submitter. Criteria: Ambry Variant Classification Scheme 2023. Collection method: clinical testing. Allele origin: germline.

Labcorp Genetics (formerly Invitae), Labcorp
Classification: Uncertain significance. Last evaluated: 2022-08-25. Review status: criteria provided, single submitter. Criteria: Invitae Variant Classification Sherloc (09022015). Collection method: clinical testing. Allele origin: germline.
Comment: In summary, the available evidence is currently insufficient to determine the role of this variant in disease. Therefore, it has been classified as a Variant of Uncertain Significance. Algorithms developed to predict the effect of missense changes on protein structure and function are either unavailable or do not agree on the potential impact of this missense change (SIFT: "Deleterious"; PolyPhen-2: "Possibly Damaging"; Align-GVGD: "Class C15"). This variant has not been reported in the literature in individuals affected with ZHX3-related conditions. This variant is present in population databases (rs765465508, gnomAD 0.02%). This sequence change replaces proline, which is neutral and non-polar, with leucine, which is neutral and non-polar, at codon 256 of the ZHX3 protein (p.Pro256Leu).